The following is an entry in ClinVar:

ClinVar aggregate classification (germline): Likely benign. Review status: criteria provided, multiple submitters, no conflicts (2 of 4 stars). 3 submissions from 3 submitters: Likely benign (2). 1 of the submissions does not count toward it. Last evaluated 2025-09-10.

Conditions:
CNGB1-related disorder. Also called: CNGB1-related condition.

Allele frequency attached by ClinVar (database versions not stated): gnomAD 0.00001.

Submissions (3):

Labcorp Genetics (formerly Invitae), Labcorp
Classification: Likely benign. Last evaluated: 2025-09-10. Review status: criteria provided, single submitter. Criteria: Invitae Variant Classification Sherloc (09022015). Collection method: clinical testing. Allele origin: germline.

Blueprint Genetics
Classification: Likely benign. Last evaluated: 2024-01-30. Review status: criteria provided, single submitter. Criteria: ACMG Guidelines, 2015. Collection method: clinical testing. Allele origin: germline.

PreventionGenetics, part of Exact Sciences
Classification: Likely benign for CNGB1-related condition. Last evaluated: 2020-04-20. Review status: no assertion criteria provided. Collection method: clinical testing. Allele origin: germline. Not counted in ClinVar's aggregate classification.
Comment: This variant is classified as likely benign based on ACMG/AMP sequence variant interpretation guidelines (Richards et al. 2015 PMID: 25741868, with internal and published modifications).

NM_001297.5(CNGB1):c.3033C>T (p.Gly1011=)

Gene: CNGB1 (cyclic nucleotide gated channel subunit beta 1; minus strand). Cytogenetic location: 16q21.
Variant type: single nucleotide variant.
Coding change: c.3033C>T on transcript NM_001297.5 (MANE Select); coding-DNA position 3033, C replaced by T.
Protein change: p.Gly1011=; no amino-acid change (glycine 1011 retained).
Molecular consequence: synonymous variant.
Genome position (GRCh38, 1-based): chr16:57,897,858, G>A on the plus strand (C>T on the coding strand, the complement: CNGB1 is on the minus strand). VCF-style: chr16-57897858-G-A. GRCh37 (hg19) VCF-style: chr16-57931762-G-A.
Other names: c.3015C>T, p.Gly1005= (NM_001286130.2); c.3033C>T (NM_001297.4).
Identifiers: ClinVar variation 1131258 (VCV001131258.12), dbSNP rs772877765, ClinGen allele CA8082709.
Genomic context (GRCh38, chr16:57,897,858, plus strand): 5'-TATTTCTCCAAACACAGATCCAGCTTTCAGCGTCACCAGCACAGATTTCCCATCAGGGCC[G>A]CCCAAGACCTGCACTTGCCCTGCCTGGATGATGTACATCTCACGGCCGATCTCCCCCTGA-3'
Protein context (NP_001288.3, residues 1001-1021): IIQAGQVQVL[Gly1011=]GPDGKSVLVT